The following is an entry in ClinVar:

NM_001349253.2(SCN11A):c.4153G>T (p.Ala1385Ser)

Gene: SCN11A (sodium voltage-gated channel alpha subunit 11; minus strand). Cytogenetic location: 3p22.2.
Variant type: single nucleotide variant.
Coding change: c.4153G>T on transcript NM_001349253.2 (MANE Select); coding-DNA position 4153, G replaced by T.
Protein change: p.Ala1385Ser; replaces alanine 1385 with serine.
Molecular consequence: missense variant.
Genome position (GRCh38, 1-based): chr3:38,850,655, C>A on the plus strand (G>T on the coding strand, the complement: SCN11A is on the minus strand). VCF-style: chr3-38850655-C-A. GRCh37 (hg19) VCF-style: chr3-38892146-C-A.
Other names: c.4153G>T, p.Ala1385Ser (NM_014139.3); short protein forms A1385S.
Identifiers: ClinVar variation 4783409 (VCV004783409.1).
Genomic context (GRCh38, chr3:38,850,655, plus strand): 5'-AGACCCAGTTGAGATGGTCAAGGATGGATTTCATGGCTTTGGGTTGGTTGTATGATTCAG[C>A]CATCATGCTAATCATGTTTAGGATAATGAGACTTATGATGATGATGTCAAAGATCTGGCT-3'
Protein context (NP_001336182.1, residues 1375-1395): LIILNMISMM[Ala1385Ser]ESYNQPKAMK

ClinVar aggregate classification (germline): Uncertain significance (1 of 4 stars; one submission).

Conditions:
Familial episodic pain syndrome with predominantly lower limb involvement. Also called: Episodic pain syndrome, familial, 3. Identifiers: Orphanet 391384, Orphanet 391392, MedGen C3809899, MONDO:0014247, OMIM 615552.
Hereditary sensory and autonomic neuropathy type 7. Also called: HSAN VII; Neuropathy, hereditary sensory and autonomic, type VII. Identifiers: Orphanet 391397, MedGen C3809882, MONDO:0014244, OMIM 615548.

gnomAD v4.1: 1 of 1,613,652 alleles (0.000062%); highest among the groups gnomAD compares: Non-Finnish European, 0.000085%; no homozygotes.

Submission:

Labcorp Genetics (formerly Invitae), Labcorp
Classification: Uncertain significance for Familial episodic pain syndrome with predominantly lower limb involvement; Hereditary sensory and autonomic neuropathy type 7. Last evaluated: 2025-12-23. Review status: criteria provided, single submitter. Criteria: Invitae Variant Classification Sherloc (09022015). Collection method: clinical testing. Allele origin: germline.
Comment: This sequence change replaces alanine, which is neutral and non-polar, with serine, which is neutral and polar, at codon 1385 of the SCN11A protein (p.Ala1385Ser). This variant is not present in population databases (gnomAD no frequency). This variant has not been reported in the literature in individuals affected with SCN11A-related conditions. Invitae Evidence Modeling of protein sequence and biophysical properties (such as structural, functional, and spatial information, amino acid conservation, physicochemical variation, residue mobility, and thermodynamic stability) indicates that this missense variant is not expected to disrupt SCN11A protein function with a negative predictive value of 80%. In summary, the available evidence is currently insufficient to determine the role of this variant in disease. Therefore, it has been classified as a Variant of Uncertain Significance.